The following is an entry in ClinVar:

NM_001040108.2(MLH3):c.127G>A (p.Val43Ile)

Gene: MLH3 (mutL homolog 3; minus strand). Cytogenetic location: 14q24.3.
Variant type: single nucleotide variant.
Coding change: c.127G>A on transcript NM_001040108.2 (MANE Select); coding-DNA position 127, G replaced by A.
Protein change: p.Val43Ile; replaces valine 43 with isoleucine.
Molecular consequence: missense variant.
Genome position (GRCh38, 1-based): chr14:75,049,529, C>T on the plus strand (G>A on the coding strand, the complement: MLH3 is on the minus strand). VCF-style: chr14-75049529-C-T. GRCh37 (hg19) VCF-style: chr14-75516232-C-T.
Other names: c.127G>A, p.Val43Ile (NM_014381.3); short protein forms V43I.
Identifiers: ClinVar variation 952501 (VCV000952501.9), dbSNP rs554073121, ClinGen allele CA7276091.

ClinVar aggregate classification (germline): Uncertain significance (1 of 4 stars; one submission).

Conditions:
Colorectal cancer, hereditary nonpolyposis, type 7. Identifiers: Orphanet 144, MedGen C1858380, MONDO:0013725, OMIM 614385.

Allele frequency attached by ClinVar (database versions not stated): gnomAD 0.00001.

Submission:

Labcorp Genetics (formerly Invitae), Labcorp
Classification: Uncertain significance for Colorectal cancer, hereditary nonpolyposis, type 7. Last evaluated: 2019-05-10. Review status: criteria provided, single submitter. Criteria: Invitae Variant Classification Sherloc (09022015). Collection method: clinical testing. Allele origin: germline.
Comment: This sequence change replaces valine with isoleucine at codon 43 of the MLH3 protein (p.Val43Ile). The valine residue is moderately conserved and there is a small physicochemical difference between valine and isoleucine. This variant is present in population databases (rs554073121, ExAC 0.006%). This variant has not been reported in the literature in individuals with MLH3-related conditions. Algorithms developed to predict the effect of missense changes on protein structure and function output the following: SIFT: "Tolerated"; PolyPhen-2: "Benign"; Align-GVGD: "Class C0". The isoleucine amino acid residue is found in multiple mammalian species, suggesting that this missense change does not adversely affect protein function. These predictions have not been confirmed by published functional studies and their clinical significance is uncertain. In summary, the available evidence is currently insufficient to determine the role of this variant in disease. Therefore, it has been classified as a Variant of Uncertain Significance.